The following is an entry in ClinVar:

ClinVar aggregate classification (germline): Uncertain significance. Review status: criteria provided, multiple submitters, no conflicts (2 of 4 stars). 2 submissions from 2 submitters: Uncertain significance (2). Last evaluated 2024-03-21.

Conditions:
POLD1-related polyposis and colorectal cancer syndrome (CRCS10). Also called: Colorectal cancer 10; COLORECTAL CANCER, SUSCEPTIBILITY TO, ON CHROMOSOME 19q; Colorectal cancer, susceptibility to, 10. Identifiers: Orphanet 220460, MedGen C2675481, MONDO:0012953, OMIM 612591.
Hereditary cancer-predisposing syndrome. Also called: Neoplastic Syndromes, Hereditary; Tumor predisposition; Hereditary Cancer Syndrome; Hereditary neoplastic syndrome. Identifiers: Orphanet 140162, MedGen C0027672, MeSH D009386, MONDO:0015356.

Submissions (2):

Ambry Genetics
Classification: Uncertain significance for Hereditary cancer-predisposing syndrome. Last evaluated: 2024-03-21. Review status: criteria provided, single submitter. Criteria: Ambry Variant Classification Scheme 2023. Collection method: clinical testing. Allele origin: germline.
Comment: The p.W23C variant (also known as c.69G>T), located in coding exon 1 of the POLD1 gene, results from a G to T substitution at nucleotide position 69. The tryptophan at codon 23 is replaced by cysteine, an amino acid with highly dissimilar properties. This amino acid position is conserved. In addition, this alteration is predicted to be tolerated by in silico analysis. Based on the available evidence, the clinical significance of this alteration remains unclear.

Labcorp Genetics (formerly Invitae), Labcorp
Classification: Uncertain significance for POLD1-related polyposis and colorectal cancer syndrome. Last evaluated: 2021-06-25. Review status: criteria provided, single submitter. Criteria: Invitae Variant Classification Sherloc (09022015). Collection method: clinical testing. Allele origin: germline.
Comment: Algorithms developed to predict the effect of missense changes on protein structure and function (SIFT, PolyPhen-2, Align-GVGD) all suggest that this variant is likely to be tolerated, but these predictions have not been confirmed by published functional studies and their clinical significance is uncertain. In summary, the available evidence is currently insufficient to determine the role of this variant in disease. Therefore, it has been classified as a Variant of Uncertain Significance. This variant has not been reported in the literature in individuals with POLD1-related conditions. This sequence change replaces tryptophan with cysteine at codon 23 of the POLD1 protein (p.Trp23Cys). The tryptophan residue is weakly conserved and there is a large physicochemical difference between tryptophan and cysteine. This variant is not present in population databases (ExAC no frequency).

NM_002691.4(POLD1):c.69G>T (p.Trp23Cys)

Gene: POLD1 (DNA polymerase delta 1, catalytic subunit; plus strand). Cytogenetic location: 19q13.33.
Variant type: single nucleotide variant.
Coding change: c.69G>T on transcript NM_002691.4 (MANE Select); coding-DNA position 69, G replaced by T.
Protein change: p.Trp23Cys; replaces tryptophan 23 with cysteine.
Molecular consequence: missense variant. On other transcripts: non-coding transcript variant (1).
Genome position (GRCh38, 1-based): chr19:50,398,920, G>T. VCF-style: chr19-50398920-G-T. GRCh37 (hg19) VCF-style: chr19-50902177-G-T.
Other names: c.69G>T (NM_002691.2); c.69G>T, p.Trp23Cys (NM_001256849.1, NM_001308632.1); short protein forms W23C.
Identifiers: ClinVar variation 1481498 (VCV001481498.9), dbSNP rs2038473555, ClinGen allele CA406970075.